The following is an entry in ClinVar:

ClinVar aggregate classification (germline): Likely pathogenic. Review status: criteria provided, single submitter (1 of 4 stars). 2 submissions from 2 submitters: Likely pathogenic (1). 1 of the submissions does not count toward it. Last evaluated 2021-12-22.

Conditions:
Hereditary acrodermatitis enteropathica (AEZ). Also called: Acrodermatitis enteropathica. Identifiers: Orphanet 37, MedGen C0221036, MONDO:0008713, OMIM 201100.

Allele frequency attached by ClinVar (database versions not stated): gnomAD 0.00001; TOPMed 0.00001; gnomAD exomes below 0.00001.
gnomAD v4.1: 5 of 1,607,858 alleles (0.00031%); highest among the groups gnomAD compares: Non-Finnish European, 0.00034%; no homozygotes.

Submissions (2):

Labcorp Genetics (formerly Invitae), Labcorp
Classification: Likely pathogenic. Last evaluated: 2021-12-22. Review status: criteria provided, single submitter. Criteria: Invitae Variant Classification Sherloc (09022015). Collection method: clinical testing. Allele origin: germline.
Comment: This variant has not been reported in the literature in individuals affected with SLC39A4-related conditions. In summary, the currently available evidence indicates that the variant is pathogenic, but additional data are needed to prove that conclusively. Therefore, this variant has been classified as Likely Pathogenic. Algorithms developed to predict the effect of sequence changes on RNA splicing suggest that this variant may disrupt the consensus splice site. ClinVar contains an entry for this variant (Variation ID: 969229). This variant is present in population databases (no rsID available, gnomAD 0.01%). This sequence change affects a donor splice site in intron 6 of the SLC39A4 gene. It is expected to disrupt RNA splicing. Variants that disrupt the donor or acceptor splice site typically lead to a loss of protein function (PMID: 16199547), and loss-of-function variants in SLC39A4 are known to be pathogenic (PMID: 12955721).

Natera, Inc.
Classification: Likely pathogenic for Acrodermatitis enteropathica. Last evaluated: 2020-03-27. Review status: no assertion criteria provided. Collection method: clinical testing. Allele origin: germline. Not counted in ClinVar's aggregate classification.

Literature cited by the submitters: PubMed 16199547 (cited by Labcorp Genetics (formerly Invitae), Labcorp); PubMed 12955721 (cited by Labcorp Genetics (formerly Invitae), Labcorp).

NM_130849.4(SLC39A4):c.1149+2T>C

Gene: SLC39A4 (solute carrier family 39 member 4; minus strand). Cytogenetic location: 8q24.3.
Variant type: single nucleotide variant.
Coding change: c.1149+2T>C on transcript NM_130849.4 (MANE Select); the canonical splice donor site of the intron after coding-DNA position 1149, T replaced by C.
Molecular consequence: splice donor variant.
Genome position (GRCh38, 1-based): chr8:144,414,260, A>G on the plus strand (T>C on the coding strand, the complement: SLC39A4 is on the minus strand). VCF-style: chr8-144414260-A-G. GRCh37 (hg19) VCF-style: chr8-145639644-A-G.
Other names: c.867+2T>C (NM_001374839.1); c.1074+2T>C (NM_017767.3).
Identifiers: ClinVar variation 969229 (VCV000969229.8), dbSNP rs1255730342, ClinGen allele CA372621070.
Genomic context (GRCh38, chr8:144,414,260, plus strand): 5'-CACGGCCTGGGAGTCCATGGTGGGGAACGGAGGGCCAGGGTCGCGGGTTTGTGGGGGCAG[A>G]CCTTGGGCGTCAGATGCAGGACAGCGTCCCCAGTGACTGCACCCACTGCCAGGCTCAGGA-3'